The following is an entry in ClinVar:

NM_000062.3(SERPING1):c.1104del (p.Asp369fs)

Gene: SERPING1 (serpin family G member 1; plus strand). Cytogenetic location: 11q12.1.
Variant type: Deletion.
Coding change: c.1104del on transcript NM_000062.3 (MANE Select); coding-DNA position 1104, one base deleted (A; older notation c.1104delA).
Protein change: p.Asp369fs; shifts the reading frame from aspartic acid 369.
Molecular consequence: frameshift variant.
Genome position (GRCh38, 1-based): chr11:57,611,791, A deleted; the last of 2 consecutive A bases (chr11:57,611,790-57,611,791); deleting either gives the same sequence. VCF-style (leftmost placement, unchanged base first): chr11-57611789-GA-G. GRCh37 (hg19) VCF-style: chr11-57379262-GA-G.
Other names: c.1104del, p.Asp369fs (NM_001032295.2); short protein forms D369fs.
Identifiers: ClinVar variation 692101 (VCV000692101.3), dbSNP rs1590829685, ClinGen allele CA915948106.

ClinVar aggregate classification (germline): Likely pathogenic (1 of 4 stars; one submission).

Conditions:
Hereditary angioedema type 1 (HAE1). Identifiers: Orphanet 100050, Orphanet 100051, Orphanet 91378, MedGen C2717906, MONDO:0015053, OMIM 106100.

Submission:

Division of Rheumatology, Allergy and Immunology, UCSD
Classification: Likely pathogenic for Hereditary angioedema type 1. Last evaluated: 2019-10-02. Review status: criteria provided, single submitter. Criteria: ACMG Guidelines, 2015. Collection method: research. Allele origin: somatic. Inheritance: Autosomal dominant inheritance. Affected: yes. Observed: 2 variant alleles, 2 heterozygotes.
Comment: The c.1104delA variant in SERPING1 gene was described in 2 patients with hereditary angioedema and C1 inhibitor deficiency (Veronez 2019). This variant generates a frame shift followed by premature stop codon formation in exon 7 of the protein (p.Asp369ThrfsTer27) eliminating the inhibitory region encoded by exon 8.

Literature cited by the submitters: PubMed 30847342.